The following is an entry in ClinVar:

NM_002241.5(KCNJ10):c.178A>G (p.Ile60Val)

Gene: KCNJ10 (potassium inwardly rectifying channel subfamily J member 10; minus strand). Cytogenetic location: 1q23.2.
Variant type: single nucleotide variant.
Coding change: c.178A>G on transcript NM_002241.5 (MANE Select); coding-DNA position 178, A replaced by G.
Protein change: p.Ile60Val; replaces isoleucine 60 with valine.
Molecular consequence: missense variant.
Genome position (GRCh38, 1-based): chr1:160,042,355, T>C on the plus strand (A>G on the coding strand, the complement: KCNJ10 is on the minus strand). VCF-style: chr1-160042355-T-C. GRCh37 (hg19) VCF-style: chr1-160012145-T-C.
Other names: short protein forms I60V.
Identifiers: ClinVar variation 1384371 (VCV001384371.7), dbSNP rs1648629565, ClinGen allele CA343229735.

ClinVar aggregate classification (germline): Uncertain significance. Review status: criteria provided, multiple submitters, no conflicts (2 of 4 stars). 2 submissions from 2 submitters: Uncertain significance (2). Last evaluated 2022-10-05.

Conditions:
Pendred syndrome (PDS). Also called: Pendred Syndrome (PDS); HYPOTHYROIDISM, CONGENITAL, DUE TO DYSHORMONOGENESIS, 2B; THYROID DYSHORMONOGENESIS 2B; THYROID HORMONOGENESIS, GENETIC DEFECT IN, 2B; DEAFNESS WITH GOITER; GOITER-DEAFNESS SYNDROME. Identifiers: Orphanet 705, MedGen C0271829, MONDO:0010134, OMIM 274600.
EAST syndrome (SESAMES). Also called: SEIZURES, SENSORINEURAL DEAFNESS, ATAXIA, IMPAIRED INTELLECTUAL DEVELOPMENT, AND ELECTROLYTE IMBALANCE. Identifiers: Orphanet 199343, MedGen C2748572, MONDO:0013005, OMIM 612780.
Autosomal recessive nonsyndromic hearing loss 4 (DFNB4). Also called: Enlarged vestibular aqueduct, digenic; DEAFNESS, AUTOSOMAL RECESSIVE 4, WITH ENLARGED VESTIBULAR AQUEDUCT, DIGENIC; NEUROSENSORY NONSYNDROMIC RECESSIVE DEAFNESS 4; Deafness, autosomal recessive 4, with enlarged vestibular aqueduct; Nonsyndromic enlarged vestibular aqueduct (NSEVA); Deafness, autosomal recessive 4. Identifiers: Orphanet 90636, MedGen C3538946, MONDO:0010933, OMIM 600791.

Allele frequency attached by ClinVar (database versions not stated): gnomAD 0.00001.
gnomAD v4.1: 7 of 1,613,226 alleles (0.00043%); highest among the groups gnomAD compares: South Asian, 0.0055%; no homozygotes.

Submissions (2):

Labcorp Genetics (formerly Invitae), Labcorp
Classification: Uncertain significance for EAST syndrome. Last evaluated: 2022-10-05. Review status: criteria provided, single submitter. Criteria: Invitae Variant Classification Sherloc (09022015). Collection method: clinical testing. Allele origin: germline.
Comment: In summary, the available evidence is currently insufficient to determine the role of this variant in disease. Therefore, it has been classified as a Variant of Uncertain Significance. Advanced modeling of protein sequence and biophysical properties (such as structural, functional, and spatial information, amino acid conservation, physicochemical variation, residue mobility, and thermodynamic stability) performed at Invitae indicates that this missense variant is not expected to disrupt KCNJ10 protein function. ClinVar contains an entry for this variant (Variation ID: 1384371). This variant has not been reported in the literature in individuals affected with KCNJ10-related conditions. This variant is not present in population databases (gnomAD no frequency). This sequence change replaces isoleucine, which is neutral and non-polar, with valine, which is neutral and non-polar, at codon 60 of the KCNJ10 protein (p.Ile60Val).

Fulgent Genetics
Classification: Uncertain significance for Pendred syndrome; Autosomal recessive nonsyndromic hearing loss 4; EAST syndrome. Last evaluated: 2022-05-13. Review status: criteria provided, single submitter. Criteria: ACMG Guidelines, 2015. Collection method: clinical testing. Allele origin: unknown.